The following is an entry in ClinVar:

NM_002485.5(NBN):c.-12G>A

Gene: NBN (nibrin; minus strand). Cytogenetic location: 8q21.3.
Variant type: single nucleotide variant.
Coding change: c.-12G>A on transcript NM_002485.5 (MANE Select); 12 bases upstream of the start codon, G replaced by A.
Molecular consequence: 5 prime UTR variant.
Genome position (GRCh38, 1-based): chr8:89,984,573, C>T on the plus strand (G>A on the coding strand, the complement: NBN is on the minus strand). VCF-style: chr8-89984573-C-T. GRCh37 (hg19) VCF-style: chr8-90996801-C-T.
Other names: c.-308G>A (NM_001024688.3).
Identifiers: ClinVar variation 379633 (VCV000379633.3), dbSNP rs375584006, ClinGen allele CA4803116.

ClinVar aggregate classification (germline): Benign (1 of 4 stars; one submission).

Allele frequency attached by ClinVar (database versions not stated): TOPMed 0.00005; gnomAD 0.00006; gnomAD exomes 0.00001; ExAC 0.00002; ESP Exome Variant Server 0.00008.

Submission:

GeneDx
Classification: Benign. Last evaluated: 2015-05-22. Review status: criteria provided, single submitter. Criteria: GeneDx Variant Classification (06012015). Collection method: clinical testing. Allele origin: germline. Affected: yes.
Comment: This variant is considered likely benign or benign based on one or more of the following criteria: it is a conservative change, it occurs at a poorly conserved position in the protein, it is predicted to be benign by multiple in silico algorithms, and/or has population frequency not consistent with disease.